The following is an entry in ClinVar:

NM_144997.7(FLCN):c.1063-2A>G

Gene: FLCN (folliculin; minus strand). Cytogenetic location: 17p11.2.
Variant type: single nucleotide variant.
Coding change: c.1063-2A>G on transcript NM_144997.7 (MANE Select); the canonical splice acceptor site of the intron before coding-DNA position 1063, A replaced by G.
Molecular consequence: splice acceptor variant.
Genome position (GRCh38, 1-based): chr17:17,217,184, T>C on the plus strand (A>G on the coding strand, the complement: FLCN is on the minus strand). VCF-style: chr17-17217184-T-C. GRCh37 (hg19) VCF-style: chr17-17120498-T-C.
Other names: c.1117-2A>G (NM_001353229.2); c.1063-2A>G (NM_001353231.2, NM_001353230.2).
Identifiers: ClinVar variation 1408666 (VCV001408666.11), dbSNP rs2144871276, ClinGen allele CA398532411.

ClinVar aggregate classification (germline): Pathogenic/Likely pathogenic. Review status: criteria provided, multiple submitters, no conflicts (2 of 4 stars). 4 submissions from 4 submitters: Pathogenic (2); Likely pathogenic (1). 1 of the submissions does not count toward it. Last evaluated 2026-10-22.

Conditions:
Birt-Hogg-Dube syndrome 1 (BHD1). Also called: FIBROFOLLICULOMAS WITH TRICHODISCOMAS AND ACROCHORDONS. Identifiers: Orphanet 122, MedGen CN375946, MONDO:0800445, OMIM 135150.
Hereditary cancer-predisposing syndrome. Also called: Tumor predisposition; Hereditary Cancer Syndrome; Hereditary neoplastic syndrome; Neoplastic Syndromes, Hereditary. Identifiers: Orphanet 140162, MedGen C0027672, MeSH D009386, MONDO:0015356.
Birt-Hogg-Dube syndrome. Also called: Birt Hogg Dubé syndrome. Identifiers: Orphanet 122, MedGen C0346010, MONDO:0800444.

Submissions (4):

Department of Medical Genetics, Hatay Education and Research Hospital
Classification: Pathogenic for Birt-Hogg-Dube syndrome 1. Last evaluated: 2026-10-22. Review status: criteria provided, single submitter. Criteria: ACMG Guidelines, 2015. Collection method: clinical testing. Allele origin: germline. Affected: yes. Observed: 1 variant allele.
Comment: The c.1063-2A>G canonical splice acceptor variant in the FLCN gene (NM_144997.7) alters a splice site, which is predicted to disrupt normal pre-mRNA splicing and result in an abnormal or severely truncated protein product, leading to loss of function (PVS1). This variant is extremely rare or absent in control population databases such as gnoMAD (PM2_Supporting). Furthermore, this variant has been reported in multiple independent BHD families and cohorts in the literature (PS4_Moderate; PMID: 25519458, PMID: 20413710) and is registered in ClinVar (Variation ID: 1408666) with pathogenic and likely pathogenic assertions. Based on ACMG/AMP guidelines and combined clinical and literature evidence, this variant is classified as pathogenic for Birt-Hogg-Dubé syndrome

Ambry Genetics
Classification: Pathogenic for Hereditary cancer-predisposing syndrome. Last evaluated: 2025-06-24. Review status: criteria provided, single submitter. Criteria: Ambry Variant Classification Scheme 2023. Collection method: clinical testing. Allele origin: germline.
Comment: The c.1063-2A>G intronic pathogenic mutation results from an A to G substitution two nucleotides upstream from coding exon 7 in the FLCN gene. This variant has been detected in an individual with multiple features of Birt-Hogg-Dube syndrome (BHDS), including fibrofolliculomas, lung cysts and chromophobe renal cell carcinoma (Benusiglio PR et al. Orphanet J Rare Dis, 2014 Oct;9:163). This variant was also detected in a patient with a history of multiple bilateral pneumothoraces (Kunogi M et al. J Med Genet, 2010 Apr;47:281-7). In silico splice site analysis predicts that this alteration will weaken the native splice acceptor site. RNA studies have demonstrated that this alteration results in abnormal splicing in the set of samples tested (Ambry internal data). This variant is considered to be rare based on population cohorts in the Genome Aggregation Database (gnomAD). Based on the supporting evidence, this variant is interpreted as a disease-causing mutation.

Labcorp Genetics (formerly Invitae), Labcorp
Classification: Likely pathogenic for Birt-Hogg-Dube syndrome. Last evaluated: 2022-06-23. Review status: criteria provided, single submitter. Criteria: Invitae Variant Classification Sherloc (09022015). Collection method: clinical testing. Allele origin: germline.
Comment: In summary, the currently available evidence indicates that the variant is pathogenic, but additional data are needed to prove that conclusively. Therefore, this variant has been classified as Likely Pathogenic. Studies have shown that disruption of this splice site results in skipping of exon 10 and 10-11 and introduces a premature termination codon (Invitae). The resulting mRNA is expected to undergo nonsense-mediated decay. Disruption of this splice site has been observed in individual(s) with Birt-Hogg-Dubé syndrome (PMID: 20413710, 25519458). This sequence change affects an acceptor splice site in intron 9 of the FLCN gene. RNA analysis indicates that disruption of this splice site induces altered splicing and may result in an absent or disrupted protein product. This variant is not present in population databases (gnomAD no frequency).

Division of Respiratory Medicine of Juntendo University, Juntendo University Faculty of Medicine and Graduate School of Medicine
Classification: Pathogenic for Birt-Hogg-Dube syndrome 1. Last evaluated: 2023-07-01. Review status: no assertion criteria provided. Collection method: clinical testing. Allele origin: germline. Affected: yes. Not counted in ClinVar's aggregate classification.

Literature cited by the submitters: PubMed 25519458 (cited by 3 submitters); PubMed 20413710 (cited by 3 submitters).